The following is an entry in ClinVar:

ClinVar aggregate classification (germline): Uncertain significance (1 of 4 stars; one submission).

Conditions:
Autosomal recessive Alport syndrome (ATS2). Also called: Alport syndrome type 2; COL4A3-Related Nephropathy; COL4A4 Alport Syndrome and Thin Basement Membrane Nephropathy; ALPORT SYNDROME 2, AUTOSOMAL RECESSIVE. Identifiers: Orphanet 63, Orphanet 88919, MedGen C4746745, MONDO:0008762, OMIM 203780.

Submission:

Genetics laboratory, Institute of Kidney Diseases & Research Centre Dr. H.L. Trivedi Institute Of Transplantation Sciences
Classification: Uncertain significance for Autosomal recessive Alport syndrome. Last evaluated: 2026-05-19. Review status: criteria provided, single submitter. Criteria: ACMG Guidelines, 2015. Collection method: clinical testing. Allele origin: germline. Inheritance: Autosomal recessive inheritance. Affected: yes. Observed: 1 variant allele, 1 homozygote.
Comment: The COL4A4 variant c.1804-6delT is classified as a Variant of Uncertain Significance. This non-canonical intronic variant is rare in population databases and currently lacks sufficient evidence to establish an effect on RNA splicing or disease causation. Additional studies, including RNA analysis or family segregation studies, may aid in further interpretation.

NM_000092.5(COL4A4):c.1804-6del

Gene: COL4A4 (collagen type IV alpha 4 chain; minus strand). Cytogenetic location: 2q36.3.
Variant type: Deletion.
Coding change: c.1804-6del on transcript NM_000092.5 (MANE Select); 6 bases into the intron before coding-DNA position 1804, one base deleted (T; older notation c.1804-6delT).
Molecular consequence: intron variant.
Genome position (GRCh38, 1-based): chr2:227,078,083, A deleted on the plus strand (T on the coding strand, the reverse complement: COL4A4 is on the minus strand); the first of 2 consecutive A bases (chr2:227,078,083-227,078,084); deleting either gives the same sequence. VCF-style (leftmost placement, unchanged base first): chr2-227078082-GA-G. GRCh37 (hg19) VCF-style: chr2-227942798-GA-G.
Other names: c.1804-6delT (NM_000092.5).
Identifiers: ClinVar variation 4856815 (VCV004856815.1).